The following is an entry in ClinVar:

NM_000022.4(ADA):c.422A>C (p.Glu141Ala)

Gene: ADA (adenosine deaminase; minus strand). Cytogenetic location: 20q13.12.
Variant type: single nucleotide variant.
Coding change: c.422A>C on transcript NM_000022.4 (MANE Select); coding-DNA position 422, A replaced by C.
Protein change: p.Glu141Ala; replaces glutamic acid 141 with alanine.
Molecular consequence: missense variant. On other transcripts: non-coding transcript variant (1), intron variant (1).
Genome position (GRCh38, 1-based): chr20:44,625,625, T>G on the plus strand (A>C on the coding strand, the complement: ADA is on the minus strand). VCF-style: chr20-44625625-T-G. GRCh37 (hg19) VCF-style: chr20-43254266-T-G.
Other names: c.422A>C, p.Glu141Ala (NM_001322051.2); c.73+831A>C (NM_001322050.2); short protein forms E141A.
Identifiers: ClinVar variation 662976 (VCV000662976.8), dbSNP rs1600923570, ClinGen allele CA409121134.
Genomic context (GRCh38, chr20:44,625,625, plus strand): 5'-TCACTGGGCTGGTGGCGCATGCAGCACAGGATGGACCGGGCCTTGACCCCGAAGTCTCGC[T>G]CCCCCTCCTGCAGGCCCTGGCCCACTAGGGCCACCACCTCGTCTGGGGTGAGGTCCCCTC-3'
Protein context (NP_000013.2, residues 131-151): ALVGQGLQEG[Glu141Ala]RDFGVKARSI

ClinVar aggregate classification (germline): Uncertain significance (1 of 4 stars; one submission).

Conditions:
Severe combined immunodeficiency, autosomal recessive, T cell-negative, B cell-negative, NK cell-negative, due to adenosine deaminase deficiency. Also called: ADA deficiency; Adenosine deaminase deficient severe combined immunodeficiency; Severe combined immunodeficiency due to ADA deficiency; SCID DUE TO ADA DEFICIENCY; SCID DUE TO ADA DEFICIENCY, EARLY-ONSET; ADA-SCID. Identifiers: Orphanet 277, MedGen C0392607, MONDO:0007064, OMIM 102700.

Submission:

Labcorp Genetics (formerly Invitae), Labcorp
Classification: Uncertain significance for Severe combined immunodeficiency, autosomal recessive, T cell-negative, B cell-negative, NK cell-negative, due to adenosine deaminase deficiency. Last evaluated: 2018-11-13. Review status: criteria provided, single submitter. Criteria: Invitae Variant Classification Sherloc (09022015). Collection method: clinical testing. Allele origin: germline.
Comment: In summary, the available evidence is currently insufficient to determine the role of this variant in disease. Therefore, it has been classified as a Variant of Uncertain Significance. In an experimental study, this missense change had no effect on binding to CD26 (PMID: 11901152). This variant has not been reported in the literature in individuals with ADA-related disease. This variant is not present in population databases (ExAC no frequency). This sequence change replaces glutamic acid with alanine at codon 141 of the ADA protein (p.Glu141Ala). The glutamic acid residue is highly conserved and there is a moderate physicochemical difference between glutamic acid and alanine.

Literature cited by the submitters: PubMed 11901152.